The following is an entry in ClinVar:

NM_007294.4(BRCA1):c.1531_1555del (p.Gly511fs)

Gene: BRCA1 (BRCA1 DNA repair associated; minus strand). Cytogenetic location: 17q21.31.
Variant type: Deletion.
Coding change: c.1531_1555del on transcript NM_007294.4 (MANE Select); coding-DNA positions 1531 to 1555, 25 bases deleted (GGCCTTCATCCTGAGGATTTTATCA).
Protein change: p.Gly511fs; shifts the reading frame from glycine 511.
Molecular consequence: frameshift variant. On other transcripts: intron variant (137).
Genome position (GRCh38, 1-based): chr17:43,093,976-43,094,000, TGATAAAATCCTCAGGATGAAGGCC deleted on the plus strand (GGCCTTCATCCTGAGGATTTTATCA on the coding strand, the reverse complement: BRCA1 is on the minus strand); deleting any 25 consecutive bases within chr17:43,093,976-43,094,004 gives the same sequence; the c. name uses the placement nearest the transcript's 3' end. VCF-style (leftmost placement, unchanged base first): chr17-43093975-TTGATAAAATCCTCAGGATGAAGGCC-T. GRCh37 (hg19) VCF-style: chr17-41245992-TTGATAAAATCCTCAGGATGAAGGCC-T.
Other names: c.1318_1342del, p.Gly440fs (NM_001407571.1, NM_001407853.1, NM_001407894.1 and 9 more transcripts); c.1531_1555del, p.Gly511fs (NM_001407581.1, NM_001407582.1, NM_001407583.1 and 30 more transcripts); c.1528_1552del, p.Gly510fs (NM_001407587.1, NM_001407590.1, NM_001407591.1 and 22 more transcripts); c.1522_1546del, p.Gly508fs (NM_001407646.1, NM_001407647.1); c.1408_1432del, p.Gly470fs (NM_001407648.1, NM_001407664.1, NM_001407665.1 and 19 more transcripts); c.1405_1429del, p.Gly469fs (NM_001407649.1, NM_001407670.1, NM_001407671.1 and 11 more transcripts); c.1453_1477del, p.Gly485fs (NM_001407653.1, NM_001407654.1, NM_001407655.1 and 4 more transcripts); c.1450_1474del, p.Gly484fs (NM_001407659.1, NM_001407660.1, NM_001407661.1 and 1 more transcripts); and 41 more; short protein forms G511fs, G464fs, G215fs, G383fs, G444fs, G469fs, G470fs, G485fs.
Identifiers: ClinVar variation 1774630 (VCV001774630.7), dbSNP rs2552202280, ClinGen allele CA2580093801.

ClinVar aggregate classification (germline): Pathogenic. Review status: criteria provided, multiple submitters, no conflicts (2 of 4 stars). 2 submissions from 2 submitters: Pathogenic (2). Last evaluated 2022-02-09.

Conditions:
Hereditary cancer-predisposing syndrome. Also called: Hereditary Cancer Syndrome; Hereditary neoplastic syndrome; Neoplastic Syndromes, Hereditary; Tumor predisposition. Identifiers: Orphanet 140162, MedGen C0027672, MeSH D009386, MONDO:0015356.
Hereditary breast ovarian cancer syndrome. Also called: Hereditary breast and ovarian cancer syndrome (HBOC); Breast and ovarian cancer; Hereditary breast and ovarian cancer syndrome; Hereditary breast and/or ovarian cancer syndrome; BRCA1- and BRCA2-Associated Hereditary Breast and Ovarian Cancer; Hereditary breast and ovarian cancer. Identifiers: Orphanet 145, MedGen C0677776, MeSH D061325, MONDO:0003582. Disease mechanism: loss of function.

Submissions (2):

Labcorp Genetics (formerly Invitae), Labcorp
Classification: Pathogenic for Hereditary breast ovarian cancer syndrome. Last evaluated: 2022-02-09. Review status: criteria provided, single submitter. Criteria: Invitae Variant Classification Sherloc (09022015). Collection method: clinical testing. Allele origin: germline.
Comment: This variant has not been reported in the literature in individuals affected with BRCA1-related conditions. This variant is not present in population databases (gnomAD no frequency). This sequence change creates a premature translational stop signal (p.Gly511Argfs*13) in the BRCA1 gene. It is expected to result in an absent or disrupted protein product. Loss-of-function variants in BRCA1 are known to be pathogenic (PMID: 20104584). For these reasons, this variant has been classified as Pathogenic.

Ambry Genetics
Classification: Pathogenic for Hereditary cancer-predisposing syndrome. Last evaluated: 2021-11-12. Review status: criteria provided, single submitter. Criteria: Ambry Variant Classification Scheme 2023. Collection method: clinical testing. Allele origin: germline.
Comment: The c.1531_1555del25 pathogenic mutation, located in coding exon 9 of the BRCA1 gene, results from a deletion of 25 nucleotides at nucleotide positions 1531 to 1555, causing a translational frameshift with a predicted alternate stop codon (p.G511Rfs*13). This variant is considered to be rare based on population cohorts in the Genome Aggregation Database (gnomAD). This alteration is expected to result in loss of function by premature protein truncation or nonsense-mediated mRNA decay. As such, this alteration is interpreted as a disease-causing mutation.

Literature cited by the submitters: PubMed 20104584 (cited by Labcorp Genetics (formerly Invitae), Labcorp).